The following is an entry in ClinVar:

NM_001394966.1(NEK10):c.1311T>G (p.Cys437Trp)

Gene: NEK10 (NIMA related kinase 10; minus strand). Cytogenetic location: 3p24.1.
Variant type: single nucleotide variant.
Coding change: c.1311T>G on transcript NM_001394966.1 (MANE Select); coding-DNA position 1311, T replaced by G.
Protein change: p.Cys437Trp; replaces cysteine 437 with tryptophan.
Molecular consequence: missense variant.
Genome position (GRCh38, 1-based): chr3:27,293,650, A>C on the plus strand (T>G on the coding strand, the complement: NEK10 is on the minus strand). VCF-style: chr3-27293650-A-C. GRCh37 (hg19) VCF-style: chr3-27335141-A-C.
Other names: c.1311T>G, p.Cys437Trp (NM_001394963.1, NM_001394965.1, NM_001394970.1 and 3 more transcripts); c.1224T>G, p.Cys408Trp (NM_001394964.1, NM_001394967.1, NM_001394969.1); c.1332T>G, p.Cys444Trp (NM_001394968.1); short protein forms C437W, C408W, C444W.
Identifiers: ClinVar variation 2517846 (VCV002517846.5), dbSNP rs188865423, ClinGen allele CA2290920.

ClinVar aggregate classification (germline): Uncertain significance. Review status: criteria provided, multiple submitters, no conflicts (2 of 4 stars). 2 submissions from 2 submitters: Uncertain significance (2). Last evaluated 2025-11-25.

Allele frequency attached by ClinVar (database versions not stated): gnomAD exomes 0.00003; ExAC 0.00012; 1000 Genomes Project 30x 0.00047; ESP Exome Variant Server 0.00058; gnomAD 0.00044; TOPMed 0.00047.
gnomAD v4.1: 119 of 1,529,672 alleles (0.0078%); highest among the groups gnomAD compares: African/African-American, 0.15%; 1 homozygote.

Submissions (2):

Dasa
Classification: Uncertain significance. Last evaluated: 2025-11-25. Review status: criteria provided, single submitter. Criteria: DASA Assertion Criteria. Collection method: clinical testing. Allele origin: germline.
Comment: NM_001394966.1(NEK10):c.1311T>G (p.Cys437Trp) is a missense variant that results in the substitution of cysteine with tryptophan. This variant is rare in population databases. The currently available literature and clinical evidence are not sufficient to establish a definitive association between this variant and the reported condition. Therefore, this variant is classified as a variant of uncertain significance.

Ambry Genetics
Classification: Uncertain significance. Last evaluated: 2025-10-18. Review status: criteria provided, single submitter. Criteria: Ambry Variant Classification Scheme 2023. Collection method: clinical testing. Allele origin: germline.